The following is an entry in ClinVar:

ClinVar aggregate classification (germline): Conflicting classifications of pathogenicity. Review status: criteria provided, conflicting classifications (1 of 4 stars). 10 submissions from 10 submitters: Uncertain significance (7); Likely benign (2). Last evaluated 2026-01-25.

Conditions:
Cardiovascular phenotype. Identifiers: MedGen CN230736.
Primary familial dilated cardiomyopathy (FDC). Also called: Familial dilated cardiomyopathy; Hypokinetic dilated cardiomyopathy, familial. Identifiers: Orphanet 217607, MedGen C0340427, MONDO:0016333.
Myofibrillar myopathy 4. Also called: Zaspopathy (type). Identifiers: Orphanet 98912, MedGen C4721886, MONDO:0012277, OMIM 609452.
Dilated cardiomyopathy 1C (CMD1C). Also called: CARDIOMYOPATHY, DILATED, 1C, WITH OR WITHOUT LEFT VENTRICULAR NONCOMPACTION; Cardiomyopathy, dilated, 1C, with or without LVNC. Identifiers: Orphanet 154, Orphanet 54260, MedGen C1832244, MONDO:0011094, OMIM 601493.
Cardiomyopathy (CMYO). Also called: Cardiomyopathies. Identifiers: Orphanet 167848, MedGen C0878544, MONDO:0004994, HP:0001638. Inheritance: Various modes of inheritance.

Allele frequency attached by ClinVar (database versions not stated): gnomAD 0.00005 and 0.00004; gnomAD exomes 0.00008 and 0.00014; TOPMed 0.00004; ExAC 0.00007.
gnomAD v4.1: 201 of 1,613,696 alleles (0.012%); highest among the groups gnomAD compares: Non-Finnish European, 0.016%; no homozygotes.

Submissions (9):

Labcorp Genetics (formerly Invitae), Labcorp
Classification: Uncertain significance for Myofibrillar myopathy 4. Last evaluated: 2026-01-25. Review status: criteria provided, single submitter. Criteria: Invitae Variant Classification Sherloc (09022015). Collection method: clinical testing. Allele origin: germline.
Comment: This sequence change replaces arginine, which is basic and polar, with cysteine, which is neutral and slightly polar, at codon 268 of the LDB3 protein (p.Arg268Cys). This variant is present in population databases (rs121908335, gnomAD 0.01%). This missense change has been observed in individuals with clinical features of LDB3-related conditions (PMID: 15668942, 25326637; internal data). ClinVar contains an entry for this variant (Variation ID: 4729). An algorithm developed to predict the effect of missense changes on protein structure and function (PolyPhen-2) suggests that this variant is likely to be disruptive. Experimental studies are conflicting or provide insufficient evidence to determine the effect of this variant on LDB3 function (PMID: 28349680). In summary, the available evidence is currently insufficient to determine the role of this variant in disease. Therefore, it has been classified as a Variant of Uncertain Significance.

Mayo Clinic Laboratories, Mayo Clinic
Classification: Likely benign. Last evaluated: 2025-03-27. Review status: criteria provided, single submitter. Criteria: ACMG Guidelines, 2015. Collection method: clinical testing. Allele origin: germline. Observed: 1 variant allele.
Comment: BS2, BP4

Blueprint Genetics
Classification: Likely benign. Last evaluated: 2024-10-03. Review status: criteria provided, single submitter. Criteria: ACMG Guidelines, 2015. Collection method: clinical testing. Allele origin: germline.

Fulgent Genetics
Classification: Uncertain significance for Dilated cardiomyopathy 1C; Myofibrillar myopathy 4. Last evaluated: 2021-09-18. Review status: criteria provided, single submitter. Criteria: ACMG Guidelines, 2015. Collection method: clinical testing. Allele origin: unknown.

Center of Genomic medicine, Geneva, University Hospital of Geneva
Classification: Uncertain significance for Dilated cardiomyopathy 1C. Last evaluated: 2018-06-01. Review status: criteria provided, single submitter. Criteria: ACMG Guidelines, 2015. Collection method: clinical testing. Allele origin: germline. Affected: yes.

CHEO Genetics Diagnostic Laboratory, Children's Hospital of Eastern Ontario
Classification: Uncertain significance for Cardiomyopathy. Last evaluated: 2017-07-04. Review status: criteria provided, single submitter. Criteria: ACMG Guidelines, 2015. Collection method: clinical testing. Allele origin: germline. Study: Canadian Open Genetics Repository.

Ambry Genetics
Classification: Uncertain significance for Cardiovascular phenotype. Last evaluated: 2017-05-04. Review status: criteria provided, single submitter. Criteria: Ambry Variant Classification Scheme 2023. Collection method: clinical testing. Allele origin: germline.
Comment: The p.R268C variant (also known as c.802C>T), located in coding exon 8 of the LDB3 gene, results from a C to T substitution at nucleotide position 802. The arginine at codon 268 is replaced by cysteine, an amino acid with highly dissimilar properties. This alteration has been reported in an individual with myofibrillar myopathy without cardiac involvement (Selcen D et al. Ann. Neurol., 2005 Feb;57:269-76). This alteration was also detected in an exome cohort, but clinical details were limited (Lee H et al. JAMA, 2014 Nov;312:1880-7). This amino acid position is not well conserved in available vertebrate species. In addition, the in silico prediction for this alteration is inconclusive. Since supporting evidence is limited at this time, the clinical significance of this alteration remains unclear.

Laboratory for Molecular Medicine, Mass General Brigham Personalized Medicine
Classification: Uncertain significance. Last evaluated: 2014-07-10. Review status: criteria provided, single submitter. Criteria: LMM Criteria. Collection method: clinical testing. Allele origin: germline. Observed: 1 variant allele.
Comment: The Arg268Cys variant in LDB3 has been reported in 1 individual with clinical fe atures of myofibrillar myopathy (Selcen 2005). This variant has also been identi fied in 1/8284 of European American chromosomes by the NHLBI Exome Sequencing Pr oject (dbSNP rs121908335). Computational pred iction tools and conservation analysis suggest that this variant may impact the protein, though this information is not predictive enough to determine pathogeni city. In summary, the clinical significance of the Arg268Cys variant is uncertai n.

Molecular Diagnostic Laboratory for Inherited Cardiovascular Disease, Montreal Heart Institute
Classification: Uncertain significance for Familial dilated cardiomyopathy. Review status: criteria provided, single submitter. Criteria: ACMG Guidelines, 2015. Collection method: clinical testing. Allele origin: germline. Affected: yes.

Literature cited by the submitters: PubMed 15668942 (cited by 4 submitters); PubMed 25326637 (cited by 3 submitters); PubMed 28349680 (cited by Labcorp Genetics (formerly Invitae), Labcorp and Mayo Clinic Laboratories, Mayo Clinic); PubMed 16427346 (cited by Mayo Clinic Laboratories, Mayo Clinic); PubMed 18055494 (cited by Mayo Clinic Laboratories, Mayo Clinic); PubMed 22349865 (cited by Mayo Clinic Laboratories, Mayo Clinic); PubMed 26342832 (cited by Mayo Clinic Laboratories, Mayo Clinic); PubMed 27546599 (cited by Mayo Clinic Laboratories, Mayo Clinic); PubMed 33802723 (cited by Mayo Clinic Laboratories, Mayo Clinic).

NM_001368067.1(LDB3):c.802C>T (p.Arg268Cys)

Gene: LDB3 (LIM domain binding 3; plus strand). Cytogenetic location: 10q23.2.
Variant type: single nucleotide variant.
Coding change: c.802C>T on transcript NM_001368067.1 (MANE Plus Clinical); coding-DNA position 802, C replaced by T.
Protein change: p.Arg268Cys; replaces arginine 268 with cysteine.
Molecular consequence: missense variant. On other transcripts: intron variant (6).
Genome position (GRCh38, 1-based): chr10:86,699,324, C>T. VCF-style: chr10-86699324-C-T. GRCh37 (hg19) VCF-style: chr10-88459081-C-T.
Other names: c.802C>T, p.Arg268Cys (NM_001080116.1, NM_001368068.1); c.943C>T, p.Arg315Cys (NM_001080115.2, NM_001368063.1); c.1147C>T, p.Arg383Cys (NM_001171611.2); c.896+6753C>T (NM_001368064.1, NM_007078.3, NM_001368065.1); c.1100+6753C>T (NM_001171610.2); c.755+6753C>T (NM_001368066.1, NM_001080114.2); short protein forms R268C, R315C, R383C.
Identifiers: ClinVar variation 4729 (VCV000004729.30), dbSNP rs121908335, ClinGen allele CA181292.